The following is an entry in ClinVar:

ClinVar aggregate classification (germline): Uncertain significance (1 of 4 stars; one submission).

Submission:

GeneDx
Classification: Uncertain significance. Last evaluated: 2024-07-19. Review status: criteria provided, single submitter. Criteria: GeneDx Variant Classification Process June 2021. Collection method: clinical testing. Allele origin: germline. Affected: yes.
Comment: Not observed at significant frequency in large population cohorts (gnomAD); In silico analysis supports that this missense variant has a deleterious effect on protein structure/function; Has not been previously published as pathogenic or benign to our knowledge

NM_001042492.3(NF1):c.257T>C (p.Ile86Thr)

Gene: NF1 (neurofibromin 1; plus strand). Cytogenetic location: 17q11.2.
Variant type: single nucleotide variant.
Coding change: c.257T>C on transcript NM_001042492.3 (MANE Select); coding-DNA position 257, T replaced by C.
Protein change: p.Ile86Thr; replaces isoleucine 86 with threonine.
Molecular consequence: missense variant.
Genome position (GRCh38, 1-based): chr17:31,159,062, T>C. VCF-style: chr17-31159062-T-C. GRCh37 (hg19) VCF-style: chr17-29486080-T-C.
Other names: c.257T>C, p.Ile86Thr (NM_000267.4, NM_001128147.3); short protein forms I86T.
Identifiers: ClinVar variation 3573918 (VCV003573918.1).
Genomic context (GRCh38, chr17:31,159,062, plus strand): 5'-TCTGTTAGAGAATATTTGGAGAAGCTGCTGAAAAAAATTTATATCTCTCTCAGTTGATTA[T>C]ATTGGATACACTGGAAAAATGTCTTGCTGGGGTAAGTAAATTGATCTTAAGTAGGCAGGC-3'
Protein context (NP_001035957.1, residues 76-96): EKNLYLSQLI[Ile86Thr]LDTLEKCLAG